The following is an entry in ClinVar:

ClinVar aggregate classification (germline): Uncertain significance. Review status: criteria provided, multiple submitters, no conflicts (2 of 4 stars). 2 submissions from 2 submitters: Uncertain significance (2). Last evaluated 2025-05-14.

Conditions:
Primary dilated cardiomyopathy (DCM). Also called: Dilated Cardiomyopathy. Identifiers: Orphanet 217604, MedGen C0007193, MeSH D002311, MONDO:0005021, HP:0001644. Inheritance: Various modes of inheritance.

Allele frequency attached by ClinVar (database versions not stated): gnomAD 0.00001; ExAC 0.00002; gnomAD exomes 0.00003; TOPMed 0.00005.
gnomAD v4.1: 41 of 1,610,456 alleles (0.0025%); highest among the groups gnomAD compares: Non-Finnish European, 0.0033%; no homozygotes.

Submissions (2):

Ambry Genetics
Classification: Uncertain significance. Last evaluated: 2025-05-14. Review status: criteria provided, single submitter. Criteria: Ambry Variant Classification Scheme 2023. Collection method: clinical testing. Allele origin: germline.
Comment: The p.M770V variant (also known as c.2308A>G), located in coding exon 23 of the NEBL gene, results from an A to G substitution at nucleotide position 2308. The methionine at codon 770 is replaced by valine, an amino acid with highly similar properties. This amino acid position is conserved. In addition, this alteration is predicted to be tolerated by in silico analysis. Since supporting evidence is limited at this time, the clinical significance of this alteration remains unclear.

Labcorp Genetics (formerly Invitae), Labcorp
Classification: Uncertain significance for Primary dilated cardiomyopathy. Last evaluated: 2024-10-22. Review status: criteria provided, single submitter. Criteria: Invitae Variant Classification Sherloc (09022015). Collection method: clinical testing. Allele origin: germline.
Comment: This sequence change replaces methionine, which is neutral and non-polar, with valine, which is neutral and non-polar, at codon 770 of the NEBL protein (p.Met770Val). This variant is present in population databases (rs745738658, gnomAD 0.006%). This variant has not been reported in the literature in individuals affected with NEBL-related conditions. ClinVar contains an entry for this variant (Variation ID: 952739). An algorithm developed to predict the effect of missense changes on protein structure and function (PolyPhen-2) suggests that this variant is likely to be tolerated. In summary, the available evidence is currently insufficient to determine the role of this variant in disease. Therefore, it has been classified as a Variant of Uncertain Significance.

NM_006393.3(NEBL):c.2308A>G (p.Met770Val)

Gene: NEBL (nebulette; minus strand). Cytogenetic location: 10p12.31.
Variant type: single nucleotide variant.
Coding change: c.2308A>G on transcript NM_006393.3 (MANE Select); coding-DNA position 2308, A replaced by G.
Protein change: p.Met770Val; replaces methionine 770 with valine.
Molecular consequence: missense variant. On other transcripts: intron variant (9).
Genome position (GRCh38, 1-based): chr10:20,813,977, T>C on the plus strand (A>G on the coding strand, the complement: NEBL is on the minus strand). VCF-style: chr10-20813977-T-C. GRCh37 (hg19) VCF-style: chr10-21102906-T-C.
Other names: c.250-1037A>G (NM_001377326.1, NM_001377327.1, NM_001377328.1); c.358-1037A>G (NM_213569.2, NM_001173484.2, NM_001377322.1); c.301-1037A>G (NM_001377324.1); c.292-1037A>G (NM_001377325.1); c.310-1037A>G (NM_001377323.1); short protein forms M770V.
Identifiers: ClinVar variation 952739 (VCV000952739.11), dbSNP rs745738658, ClinGen allele CA5432530.